The following is an entry in ClinVar:

NM_015461.3(ZNF521):c.2211T>G (p.Ile737Met)

Gene: ZNF521 (zinc finger protein 521; minus strand). Cytogenetic location: 18q11.2.
Variant type: single nucleotide variant.
Coding change: c.2211T>G on transcript NM_015461.3 (MANE Select); coding-DNA position 2211, T replaced by G.
Protein change: p.Ile737Met; replaces isoleucine 737 with methionine.
Molecular consequence: missense variant.
Genome position (GRCh38, 1-based): chr18:25,225,707, A>C on the plus strand (T>G on the coding strand, the complement: ZNF521 is on the minus strand). VCF-style: chr18-25225707-A-C. GRCh37 (hg19) VCF-style: chr18-22805671-A-C.
Other names: c.1551T>G, p.Ile517Met (NM_001308225.2); short protein forms I737M, I517M.
Identifiers: ClinVar variation 560245 (VCV000560245.4), dbSNP rs367580254, ClinGen allele CA8920312.
Genomic context (GRCh38, chr18:25,225,707, plus strand): 5'-GCAAGATGTGCACCTATAGACTTTCTTTTCGTTACTGTGCTTCACAGCCAAGTGGAGCTG[A>C]ATGGAGACTTTTGAGTCAAAAACTTCCTGGCAGAGGGTGCAGCGAAAGAAGACAAAGGTG-3'
Protein context (NP_056276.1, residues 727-747): CQEVFDSKVS[Ile737Met]QLHLAVKHSN

ClinVar aggregate classification (germline): Uncertain significance. Review status: criteria provided, multiple submitters, no conflicts (2 of 4 stars). 2 submissions from 2 submitters: Uncertain significance (2). Last evaluated 2024-01-09.

Allele frequency attached by ClinVar (database versions not stated): gnomAD exomes 0.00001 and 0.00002; ExAC 0.00003; ESP Exome Variant Server 0.00008; gnomAD 0.00018 and 0.00019; 1000 Genomes Project 30x 0.00031; TOPMed 0.00031; 1000 Genomes Project 0.00040.
gnomAD v4.1: 43 of 1,614,206 alleles (0.0027%); highest among the groups gnomAD compares: Admixed American, 0.027%; no homozygotes.

Submissions (2):

Ambry Genetics
Classification: Uncertain significance. Last evaluated: 2024-01-09. Review status: criteria provided, single submitter. Criteria: Ambry Variant Classification Scheme 2023. Collection method: clinical testing. Allele origin: germline.

Geisinger Autism and Developmental Medicine Institute, Geisinger Health System
Classification: Uncertain significance. Last evaluated: 2018-02-23. Review status: criteria provided, single submitter. Criteria: ACMG Guidelines, 2015. Collection method: provider interpretation, clinical testing. Allele origin: paternal. Observed: 1 variant allele.
Comment: The variant is present in the gnomAD African population at 0.029% and as high as 0.5% in the Puerto Rican population from 1000Genomes. Computational models predict it to be benign. A second missense change in ZNF521 was also identified in trans. This is a gene of uncertain significance; no known human disorders have been clearly associated with this gene.